The following is an entry in ClinVar:

Conditions:
Breast-ovarian cancer, familial, susceptibility to, 1 (BROVCA1). Also called: BRCA1 Hereditary Breast and Ovarian Cancer; OVARIAN CANCER, SUSCEPTIBILITY TO. Identifiers: Orphanet 145, MedGen C2676676, MONDO:0011450, OMIM 604370. Disease mechanism: loss of function.

Submission:

Brotman Baty Institute, University of Washington
No classification provided (evidence only). Condition: Breast-ovarian cancer, familial 1. Review status: no classification provided. Collection method: in vitro. Allele origin: not applicable. Functional consequence: functionally_normal.
ClinVar note: "not provided" was previously submitted as the classification for the variant. However, the classification appeared to be based only on an observation of functional data so it was converted to no classification on 2025-07-30.

NM_007294.4(BRCA1):c.-11A>G

Gene: BRCA1 (BRCA1 DNA repair associated; minus strand). Cytogenetic location: 17q21.31.
Variant type: single nucleotide variant.
Coding change: c.-11A>G on transcript NM_007294.4 (MANE Select); 11 bases upstream of the start codon, A replaced by G.
Molecular consequence: 5 prime UTR variant. On other transcripts: non-coding transcript variant (1).
Genome position (GRCh38, 1-based): chr17:43,124,107, T>C on the plus strand (A>G on the coding strand, the complement: BRCA1 is on the minus strand). VCF-style: chr17-43124107-T-C. GRCh37 (hg19) VCF-style: chr17-41276124-T-C.
Other names: c.-199A>G (NM_001407571.1, NM_001407853.1, NM_001407879.1 and 42 more transcripts); c.-11A>G (NM_001407581.1, NM_001407582.1, NM_001407583.1 and 169 more transcripts); c.-268A>G (NM_001407694.1, NM_001407724.1, NM_001407727.1 and 11 more transcripts); c.-272A>G (NM_001407695.1, NM_001408465.1); c.-413A>G (NM_001407696.1); c.-297A>G (NM_001407697.1, NM_001407846.1, NM_001407920.1); c.-98A>G (NM_001407698.1, NM_001407732.1, NM_001407736.1 and 21 more transcripts); c.-271A>G (NM_001407725.1, NM_001407730.1, NM_001407734.1 and 22 more transcripts); and 8 more.
Identifiers: ClinVar variation 867656 (VCV000867656.3), dbSNP rs273897654, ClinGen allele CA916081157.